The following is an entry in ClinVar:

ClinVar aggregate classification (germline): Uncertain significance. Review status: criteria provided, multiple submitters, no conflicts (2 of 4 stars). 2 submissions from 2 submitters: Uncertain significance (2). Last evaluated 2025-04-12.

Conditions:
Cardiovascular phenotype. Identifiers: MedGen CN230736.
Naxos disease (NXD). Also called: KERATOSIS PALMOPLANTARIS WITH ARRHYTHMOGENIC CARDIOMYOPATHY; MAL DE NAXOS; CARDIOMYOPATHY, ARRHYTHMOGENIC RIGHT VENTRICULAR, WITH SKIN, HAIR, AND NAIL ABNORMALITIES; PALMOPLANTAR KERATODERMA WITH ARRHYTHMOGENIC RIGHT VENTRICULAR CARDIOMYOPATHY AND WOOLLY HAIR; WOOLLY HAIR, PALMOPLANTAR KERATODERMA, AND CARDIAC ABNORMALITIES. Identifiers: Orphanet 34217, MedGen C1832600, MONDO:0011017, OMIM 601214.
Arrhythmogenic right ventricular dysplasia 12. Also called: ARRHYTHMOGENIC RIGHT VENTRICULAR DYSPLASIA, FAMILIAL, 12. Identifiers: MedGen C1969081, MONDO:0012684, OMIM 611528.

Submissions (2):

Ambry Genetics
Classification: Uncertain significance for Cardiovascular phenotype. Last evaluated: 2025-04-12. Review status: criteria provided, single submitter. Criteria: Ambry Variant Classification Scheme 2023. Collection method: clinical testing. Allele origin: germline.

Labcorp Genetics (formerly Invitae), Labcorp
Classification: Uncertain significance for Arrhythmogenic right ventricular dysplasia 12; Naxos disease. Last evaluated: 2025-03-03. Review status: criteria provided, single submitter. Criteria: Invitae Variant Classification Sherloc (09022015). Collection method: clinical testing. Allele origin: germline.
Comment: This sequence change replaces threonine, which is neutral and polar, with isoleucine, which is neutral and non-polar, at codon 362 of the JUP protein (p.Thr362Ile). This variant is not present in population databases (gnomAD no frequency). This variant has not been reported in the literature in individuals affected with JUP-related conditions. ClinVar contains an entry for this variant (Variation ID: 1014073). An algorithm developed to predict the effect of missense changes on protein structure and function (PolyPhen-2) suggests that this variant is likely to be disruptive. In summary, the available evidence is currently insufficient to determine the role of this variant in disease. Therefore, it has been classified as a Variant of Uncertain Significance.

NM_002230.4(JUP):c.1085C>T (p.Thr362Ile)

Gene: JUP (junction plakoglobin; minus strand). Cytogenetic location: 17q21.2.
Variant type: single nucleotide variant.
Coding change: c.1085C>T on transcript NM_002230.4 (MANE Select); coding-DNA position 1085, C replaced by T.
Protein change: p.Thr362Ile; replaces threonine 362 with isoleucine.
Molecular consequence: missense variant.
Genome position (GRCh38, 1-based): chr17:41,764,786, G>A on the plus strand (C>T on the coding strand, the complement: JUP is on the minus strand). VCF-style: chr17-41764786-G-A. GRCh37 (hg19) VCF-style: chr17-39921038-G-A.
Other names: c.1085C>T, p.Thr362Ile (NM_001352773.2, NM_001352774.2, NM_001352775.2 and 3 more transcripts); c.1085C>T (NM_002230.2); short protein forms T362I.
Identifiers: ClinVar variation 1014073 (VCV001014073.9), dbSNP rs1915432778, ClinGen allele CA399498994.